The following is an entry in ClinVar:

ClinVar aggregate classification (germline): Pathogenic (1 of 4 stars; one submission).

Conditions:
Immunodeficiency 67. Also called: Immunodeficiency due to interleukin-1 receptor-associated kinase-4 deficiency. Identifiers: Orphanet 70592, MedGen C1843256, MONDO:0011888, OMIM 607676.

Submission:

Labcorp Genetics (formerly Invitae), Labcorp
Classification: Pathogenic for Immunodeficiency 67. Last evaluated: 2021-10-08. Review status: criteria provided, single submitter. Criteria: Invitae Variant Classification Sherloc (09022015). Collection method: clinical testing. Allele origin: germline.
Comment: For these reasons, this variant has been classified as Pathogenic. This variant has not been reported in the literature in individuals affected with IRAK4-related conditions. This variant is not present in population databases (ExAC no frequency). This sequence change creates a premature translational stop signal (p.Ala97Argfs*8) in the IRAK4 gene. It is expected to result in an absent or disrupted protein product. Loss-of-function variants in IRAK4 are known to be pathogenic (PMID: 17893200, 21057262).

Literature cited by the submitters: PubMed 17893200; PubMed 21057262.

NM_016123.4(IRAK4):c.288_304del (p.Ala97fs)

Gene: IRAK4 (interleukin 1 receptor associated kinase 4; plus strand). Cytogenetic location: 12q12.
Variant type: Deletion.
Coding change: c.288_304del on transcript NM_016123.4 (MANE Select); coding-DNA positions 288 to 304, 17 bases deleted (TGCGAGTCTTTTGCTCC).
Protein change: p.Ala97fs; shifts the reading frame from alanine 97.
Molecular consequence: frameshift variant. On other transcripts: 5 prime UTR variant (4), intron variant (6).
Genome position (GRCh38, 1-based): chr12:43,771,346-43,771,362, TGCGAGTCTTTTGCTCC deleted; deleting any 17 consecutive bases within chr12:43,771,337-43,771,362 gives the same sequence; the c. name uses the placement nearest the transcript's 3' end. VCF-style (leftmost placement, unchanged base first): chr12-43771336-TTTTTGCTCCTGCGAGTC-T. GRCh37 (hg19) VCF-style: chr12-44165139-TTTTTGCTCCTGCGAGTC-T.
Other names: c.288_304del, p.Ala97fs (NM_001114182.3, NM_001351345.2); c.-85_-69del (NM_001351339.2, NM_001351340.2, NM_001351341.2 and 1 more transcripts); c.-65-834_-65-818del (NM_001351338.2, NM_001145256.2, NM_001145257.2 and 1 more transcripts); c.-216-834_-216-818del (NM_001351343.2, NM_001351344.2); short protein forms A97fs.
Identifiers: ClinVar variation 1427828 (VCV001427828.6), dbSNP rs2137931667, ClinGen allele CA2573148544.